The following is an entry in ClinVar:

ClinVar aggregate classification (germline): Pathogenic (1 of 4 stars; one submission).

gnomAD v4.1: 1 of 1,613,668 alleles (0.000062%); highest among the groups gnomAD compares: African/African-American, 0.0013%; no homozygotes.

Submission:

Labcorp Genetics (formerly Invitae), Labcorp
Classification: Pathogenic. Last evaluated: 2022-10-17. Review status: criteria provided, single submitter. Criteria: Invitae Variant Classification Sherloc (09022015). Collection method: clinical testing. Allele origin: germline.
Comment: For these reasons, this variant has been classified as Pathogenic. Algorithms developed to predict the effect of sequence changes on RNA splicing suggest that this variant may disrupt the consensus splice site. Disruption of this splice site has been observed in individual(s) with Stargardt disease (PMID: 29925512). This variant is not present in population databases (gnomAD no frequency). This sequence change affects an acceptor splice site in intron 30 of the ABCA4 gene. It is expected to disrupt RNA splicing. Variants that disrupt the donor or acceptor splice site typically lead to a loss of protein function (PMID: 16199547), and loss-of-function variants in ABCA4 are known to be pathogenic (PMID: 10958761, 24938718, 25312043, 26780318).

Literature cited by the submitters: PubMed 29925512; PubMed 16199547; PubMed 10958761; PubMed 24938718; PubMed 25312043; PubMed 26780318.

NM_000350.3(ABCA4):c.4540-2A>C

Gene: ABCA4 (ATP binding cassette subfamily A member 4; minus strand). Cytogenetic location: 1p22.1.
Variant type: single nucleotide variant.
Coding change: c.4540-2A>C on transcript NM_000350.3 (MANE Select); the canonical splice acceptor site of the intron before coding-DNA position 4540, A replaced by C.
Molecular consequence: splice acceptor variant.
Genome position (GRCh38, 1-based): chr1:94,025,050, T>G on the plus strand (A>C on the coding strand, the complement: ABCA4 is on the minus strand). VCF-style: chr1-94025050-T-G. GRCh37 (hg19) VCF-style: chr1-94490606-T-G.
Identifiers: ClinVar variation 2009746 (VCV002009746.4), dbSNP rs61752435, ClinGen allele CA341284758.